The following is an entry in ClinVar:

ClinVar aggregate classification (germline): Uncertain significance. Review status: criteria provided, multiple submitters, no conflicts (2 of 4 stars). 2 submissions from 2 submitters: Uncertain significance (2). Last evaluated 2023-10-23.

Conditions:
Inborn genetic diseases. Identifiers: MedGen C0950123, MeSH D030342.

Allele frequency attached by ClinVar (database versions not stated): ExAC 0.00002; gnomAD exomes 0.00002; gnomAD 0.00003; TOPMed 0.00003.
gnomAD v4.1: 32 of 1,592,110 alleles (0.002%); highest among the groups gnomAD compares: Admixed American, 0.0052%; no homozygotes.

Submissions (2):

Labcorp Genetics (formerly Invitae), Labcorp
Classification: Uncertain significance. Last evaluated: 2023-10-23. Review status: criteria provided, single submitter. Criteria: Invitae Variant Classification Sherloc (09022015). Collection method: clinical testing. Allele origin: germline.
Comment: This sequence change replaces arginine, which is basic and polar, with cysteine, which is neutral and slightly polar, at codon 502 of the DLL1 protein (p.Arg502Cys). The frequency data for this variant in the population databases is considered unreliable, as metrics indicate poor data quality at this position in the gnomAD database. This variant has not been reported in the literature in individuals affected with DLL1-related conditions. ClinVar contains an entry for this variant (Variation ID: 2371633). An algorithm developed to predict the effect of missense changes on protein structure and function (PolyPhen-2) suggests that this variant is likely to be disruptive. In summary, the available evidence is currently insufficient to determine the role of this variant in disease. Therefore, it has been classified as a Variant of Uncertain Significance.

Ambry Genetics
Classification: Uncertain significance for Inborn genetic diseases. Last evaluated: 2021-05-17. Review status: criteria provided, single submitter. Criteria: Ambry Variant Classification Scheme 2023. Collection method: clinical testing. Allele origin: germline.

NM_005618.4(DLL1):c.1504C>T (p.Arg502Cys)

Gene: DLL1 (delta like canonical Notch ligand 1; minus strand). Cytogenetic location: 6q27.
Variant type: single nucleotide variant.
Coding change: c.1504C>T on transcript NM_005618.4 (MANE Select); coding-DNA position 1504, C replaced by T.
Protein change: p.Arg502Cys; replaces arginine 502 with cysteine.
Molecular consequence: missense variant.
Genome position (GRCh38, 1-based): chr6:170,283,775, G>A on the plus strand (C>T on the coding strand, the complement: DLL1 is on the minus strand). VCF-style: chr6-170283775-G-A. GRCh37 (hg19) VCF-style: chr6-170592863-G-A.
Other names: short protein forms R502C.
Identifiers: ClinVar variation 2371633 (VCV002371633.5), dbSNP rs2747761, ClinGen allele CA4106809.
Genomic context (GRCh38, chr6:170,283,775, plus strand): 5'-CGGGGAGCAGGAACTGGCAGTTGGGACCCCCGTAGCCTCGGGCACACTCGCACACATAGC[G>A]GTGGCCCCTCTCGTGGCAGGTGGCCCCATTGTGGCAGGGTGCGTGCTCGCACCTGCTGAC-3'
Protein context (NP_005609.3, residues 492-512): NGATCHERGH[Arg502Cys]YVCECARGYG